The following is an entry in ClinVar:

ClinVar aggregate classification (germline): Uncertain significance (1 of 4 stars; one submission).

Conditions:
Cortical dysplasia-focal epilepsy syndrome (PTHSL1). Also called: Pitt-Hopkins-like syndrome 1. Identifiers: Orphanet 163681, Orphanet 221150, MedGen C2750246, MONDO:0012400, OMIM 610042.

Submission:

Labcorp Genetics (formerly Invitae), Labcorp
Classification: Uncertain significance for Cortical dysplasia-focal epilepsy syndrome. Last evaluated: 2022-02-03. Review status: criteria provided, single submitter. Criteria: Invitae Variant Classification Sherloc (09022015). Collection method: clinical testing. Allele origin: germline.
Comment: This sequence change replaces aspartic acid, which is acidic and polar, with alanine, which is neutral and non-polar, at codon 748 of the CNTNAP2 protein (p.Asp748Ala). This variant is not present in population databases (gnomAD no frequency). This variant has not been reported in the literature in individuals affected with CNTNAP2-related conditions. Algorithms developed to predict the effect of missense changes on protein structure and function are either unavailable or do not agree on the potential impact of this missense change (SIFT: "Deleterious"; PolyPhen-2: "Benign"; Align-GVGD: "Class C65"). In summary, the available evidence is currently insufficient to determine the role of this variant in disease. Therefore, it has been classified as a Variant of Uncertain Significance.

NM_014141.6(CNTNAP2):c.2243A>C (p.Asp748Ala)

Gene: CNTNAP2 (contactin associated protein 2; plus strand). Cytogenetic location: 7q35.
Variant type: single nucleotide variant.
Coding change: c.2243A>C on transcript NM_014141.6 (MANE Select); coding-DNA position 2243, A replaced by C.
Protein change: p.Asp748Ala; replaces aspartic acid 748 with alanine.
Molecular consequence: missense variant.
Genome position (GRCh38, 1-based): chr7:147,903,709, A>C. VCF-style: chr7-147903709-A-C. GRCh37 (hg19) VCF-style: chr7-147600801-A-C.
Other names: short protein forms D748A.
Identifiers: ClinVar variation 2092495 (VCV002092495.4), dbSNP rs964887613, ClinGen allele CA369927105.